The following is an entry in ClinVar:

ClinVar aggregate classification (germline): Conflicting classifications of pathogenicity. Review status: criteria provided, conflicting classifications (1 of 4 stars). 4 submissions from 4 submitters: Likely pathogenic (3); Uncertain significance (1). Last evaluated 2025-06-25.

Conditions:
Familial thoracic aortic aneurysm and aortic dissection (TAAD). Also called: Thoracic aortic aneurysms and dissections. Identifiers: Orphanet 91387, MedGen C4707243, MONDO:0019625.
Ehlers-Danlos syndrome, type 4 (EDSVASC). Also called: Ehlers-Danlos syndrome vascular type; Ehlers Danlos syndrome, ecchymotic type; Ehlers Danlos syndrome, arterial type; Ehlers Danlos syndrome, Sack-Barabas type; Ehlers-Danlos Syndrome Type IV. Identifiers: Orphanet 286, MedGen C0268338, MONDO:0017314, OMIM 130050.

Submissions (4):

Color Diagnostics, LLC DBA Color Health
Classification: Likely pathogenic for Familial thoracic aortic aneurysm and aortic dissection. Last evaluated: 2025-06-25. Review status: criteria provided, single submitter. Criteria: ACMG Guidelines, 2015. Collection method: clinical testing. Allele origin: germline.
Comment: This missense variant replaces glycine with serine at codon 429 of the COL3A1 protein. This variant changes one of the conserved glycine residues within the Gly-Xaa-Yaa repeat motifs of the triple helical domain of the COL3A1 protein. Although functional studies have not been reported for this variant, conserved glycine residues within the Gly-Xaa-Yaa repeats are required for the structural stability of fibrillar collagens (PMID: 7695699, 8218237, 19344236) and missense variants occurring at these glycine residues have been associated with disease (PMID: 24922459, 25758994). To our knowledge, functional studies have not been reported for this variant. This variant has not been reported in individuals affected with COL3A1-related disorders in the literature. This variant has not been identified in the general population by the Genome Aggregation Database (gnomAD). Based on the available evidence, this variant is classified as Likely Pathogenic.

Labcorp Genetics (formerly Invitae), Labcorp
Classification: Likely pathogenic for Ehlers-Danlos syndrome, type 4. Last evaluated: 2023-06-21. Review status: criteria provided, single submitter. Criteria: Invitae Variant Classification Sherloc (09022015). Collection method: clinical testing. Allele origin: germline.
Comment: This sequence change replaces glycine, which is neutral and non-polar, with serine, which is neutral and polar, at codon 429 of the COL3A1 protein (p.Gly429Ser). This variant is not present in population databases (gnomAD no frequency). This missense change has been observed in individual(s) with clinical features of Ehlers-Danlos syndrome (Invitae). ClinVar contains an entry for this variant (Variation ID: 618578). Advanced modeling of protein sequence and biophysical properties (such as structural, functional, and spatial information, amino acid conservation, physicochemical variation, residue mobility, and thermodynamic stability) performed at Invitae indicates that this missense variant is expected to disrupt COL3A1 protein function. This variant disrupts the triple helix domain of COL3A1. Glycine residues within the Gly-Xaa-Yaa repeats of the triple helix domain are required for the structure and stability of fibrillar collagens (PMID: 7695699, 8218237, 19344236). In COL3A1, variants that affect these glycine residues are significantly enriched in individuals with disease (PMID: 24922459, 25758994) compared to the general population (ExAC). In summary, the currently available evidence indicates that the variant is pathogenic, but additional data are needed to prove that conclusively. Therefore, this variant has been classified as Likely Pathogenic.

CHEO Genetics Diagnostic Laboratory, Children's Hospital of Eastern Ontario
Classification: Uncertain significance for Familial thoracic aortic aneurysm and aortic dissection. Last evaluated: 2019-02-20. Review status: criteria provided, single submitter. Criteria: ACMG Guidelines, 2015. Collection method: clinical testing. Allele origin: germline.

ARUP Laboratories, Molecular Genetics and Genomics, ARUP Laboratories
Classification: Likely pathogenic. Last evaluated: 2017-06-12. Review status: criteria provided, single submitter. Criteria: ARUP Molecular Germline Variant Investigation Process. Collection method: clinical testing. Allele origin: germline.

Literature cited by the submitters: PubMed 7695699 (cited by Color Diagnostics, LLC DBA Color Health and Labcorp Genetics (formerly Invitae), Labcorp); PubMed 8218237 (cited by Color Diagnostics, LLC DBA Color Health and Labcorp Genetics (formerly Invitae), Labcorp); PubMed 19344236 (cited by Color Diagnostics, LLC DBA Color Health and Labcorp Genetics (formerly Invitae), Labcorp); PubMed 24922459 (cited by Color Diagnostics, LLC DBA Color Health and Labcorp Genetics (formerly Invitae), Labcorp); PubMed 25758994 (cited by Color Diagnostics, LLC DBA Color Health and Labcorp Genetics (formerly Invitae), Labcorp).

NM_000090.4(COL3A1):c.1285G>A (p.Gly429Ser)

Gene: COL3A1 (collagen type III alpha 1 chain; plus strand). Cytogenetic location: 2q32.2.
Variant type: single nucleotide variant.
Coding change: c.1285G>A on transcript NM_000090.4 (MANE Select); coding-DNA position 1285, G replaced by A.
Protein change: p.Gly429Ser; replaces glycine 429 with serine.
Molecular consequence: missense variant.
Genome position (GRCh38, 1-based): chr2:188,994,324, G>A. VCF-style: chr2-188994324-G-A. GRCh37 (hg19) VCF-style: chr2-189859050-G-A.
Other names: short protein forms G429S.
Identifiers: ClinVar variation 618578 (VCV000618578.18), dbSNP rs1559056179, ClinGen allele CA349851552.